The following is an entry in ClinVar:

ClinVar aggregate classification (germline): Uncertain significance (1 of 4 stars; one submission).

Conditions:
Inborn genetic diseases. Identifiers: MedGen C0950123, MeSH D030342.

gnomAD v4.1: 7 of 1,614,118 alleles (0.00043%); highest among the groups gnomAD compares: Non-Finnish European, 0.00059%; no homozygotes.

Submission:

Ambry Genetics
Classification: Uncertain significance for Inborn genetic diseases. Last evaluated: 2024-12-19. Review status: criteria provided, single submitter. Criteria: Ambry Variant Classification Scheme 2023. Collection method: clinical testing. Allele origin: germline.
Comment: The p.L202V variant (also known as c.604C>G), located in coding exon 1 of the SAMD9L gene, results from a C to G substitution at nucleotide position 604. The leucine at codon 202 is replaced by valine, an amino acid with highly similar properties. This amino acid position is conserved. In addition, this alteration is predicted to be tolerated by in silico analysis. Based on the available evidence, the clinical significance of this variant remains unclear.

NM_152703.5(SAMD9L):c.604C>G (p.Leu202Val)

Gene: SAMD9L (sterile alpha motif domain containing 9 like; minus strand). Cytogenetic location: 7q21.2.
Variant type: single nucleotide variant.
Coding change: c.604C>G on transcript NM_152703.5 (MANE Select); coding-DNA position 604, C replaced by G.
Protein change: p.Leu202Val; replaces leucine 202 with valine.
Molecular consequence: missense variant.
Genome position (GRCh38, 1-based): chr7:93,135,368, G>C on the plus strand (C>G on the coding strand, the complement: SAMD9L is on the minus strand). VCF-style: chr7-93135368-G-C. GRCh37 (hg19) VCF-style: chr7-92764681-G-C.
Other names: c.604C>G, p.Leu202Val (NM_001303496.3, NM_001303497.3, NM_001303498.3 and 5 more transcripts); short protein forms L202V.
Identifiers: ClinVar variation 3792223 (VCV003792223.1).